The following is an entry in ClinVar:

ClinVar aggregate classification (germline): Likely benign (1 of 4 stars; one submission).

Submission:

CeGaT Center for Human Genetics Tuebingen
Classification: Likely benign. Last evaluated: 2026-02-01. Review status: criteria provided, single submitter. Criteria: CeGaT Center For Human Genetics Tuebingen Variant Classification Criteria Version 2. Collection method: clinical testing. Allele origin: germline. Affected: yes. Observed: 1 variant allele.
Comment: CNTNAP3B: PM2:Supporting, BP4, BP7

NM_001201380.3(CNTNAP3B):c.777G>A (p.Val259=)

Gene: CNTNAP3B (contactin associated protein family member 3B; minus strand). Cytogenetic location: 9p11.2.
Variant type: single nucleotide variant.
Coding change: c.777G>A on transcript NM_001201380.3 (MANE Select); coding-DNA position 777, G replaced by A.
Protein change: p.Val259=; no amino-acid change (valine 259 retained).
Molecular consequence: synonymous variant.
Genome position (GRCh38, 1-based): chr9:41,997,718, C>T on the plus strand (G>A on the coding strand, the complement: CNTNAP3B is on the minus strand). VCF-style: chr9-41997718-C-T. GRCh37 (hg19) VCF-style: chr9-43816671-G-A.
Identifiers: ClinVar variation 4821665 (VCV004821665.4).